The following is an entry in ClinVar:

ClinVar aggregate classification (germline): Uncertain significance (1 of 4 stars; one submission).

Conditions:
Immunodeficiency, common variable, 10. Also called: DEFICIT IN ANTERIOR PITUITARY FUNCTION AND VARIABLE IMMUNODEFICIENCY; IMMUNODEFICIENCY, COMMON VARIABLE, WITH CENTRAL ADRENAL INSUFFICIENCY. Identifiers: MedGen C3809991, MONDO:0014260, OMIM 615577.

Submission:

Labcorp Genetics (formerly Invitae), Labcorp
Classification: Uncertain significance for Immunodeficiency, common variable, 10. Last evaluated: 2023-07-28. Review status: criteria provided, single submitter. Criteria: Invitae Variant Classification Sherloc (09022015). Collection method: clinical testing. Allele origin: germline.
Comment: This sequence change replaces glycine, which is neutral and non-polar, with arginine, which is basic and polar, at codon 362 of the NFKB2 protein (p.Gly362Arg). This variant is not present in population databases (gnomAD no frequency). This variant has not been reported in the literature in individuals affected with NFKB2-related conditions. An algorithm developed to predict the effect of missense changes on protein structure and function (PolyPhen-2) suggests that this variant is likely to be disruptive. In summary, the available evidence is currently insufficient to determine the role of this variant in disease. Therefore, it has been classified as a Variant of Uncertain Significance.

NM_001322934.2(NFKB2):c.1084G>C (p.Gly362Arg)

Gene: NFKB2 (nuclear factor kappa B subunit 2; plus strand). Cytogenetic location: 10q24.32.
Variant type: single nucleotide variant.
Coding change: c.1084G>C on transcript NM_001322934.2 (MANE Select); coding-DNA position 1084, G replaced by C.
Protein change: p.Gly362Arg; replaces glycine 362 with arginine.
Molecular consequence: missense variant. On other transcripts: intron variant (1).
Genome position (GRCh38, 1-based): chr10:102,398,831, G>C. VCF-style: chr10-102398831-G-C. GRCh37 (hg19) VCF-style: chr10-104158588-G-C.
Other names: c.1084G>C, p.Gly362Arg (NM_001077493.1, NM_001077494.3, NM_001261403.3 and 2 more transcripts); c.991+308G>C (NM_001322935.1); short protein forms G362R.
Identifiers: ClinVar variation 2820845 (VCV002820845.3), dbSNP rs2544586417, ClinGen allele CA377898202.
Genomic context (GRCh38, chr10:102,398,831, plus strand): 5'-GCCTTGCCCACCTTCTCCCAGCCCTTCGGGGGTGGCTCCCACATGGGTGGAGGCTCTGGG[G>C]GTGCAGCCGGGGGCTACGGAGGAGCTGGAGGAGGTGAGGGGGTACTGATGGAGGGAGGGG-3'
Protein context (NP_001309863.1, residues 352-372): GGSHMGGGSG[Gly362Arg]AAGGYGGAGG